The following is an entry in ClinVar:

ClinVar aggregate classification (germline): Uncertain significance (1 of 4 stars; one submission).

Conditions:
Methylmalonic aciduria and homocystinuria type cblD (MAHCD). Also called: METHYLMALONIC ACIDEMIA, cblH TYPE; Methylmalonic aciduria with homocystinuria cblD type. Identifiers: Orphanet 622, Orphanet 79283, MedGen C1848552, MONDO:0010185, OMIM 277410.

Allele frequency attached by ClinVar (database versions not stated): ExAC 0.00001; TOPMed 0.00004; gnomAD 0.00006.

Submission:

Labcorp Genetics (formerly Invitae), Labcorp
Classification: Uncertain significance for Methylmalonic aciduria and homocystinuria type cblD. Last evaluated: 2022-02-02. Review status: criteria provided, single submitter. Criteria: Invitae Variant Classification Sherloc (09022015). Collection method: clinical testing. Allele origin: germline.
Comment: This sequence change replaces methionine, which is neutral and non-polar, with valine, which is neutral and non-polar, at codon 62 of the MMADHC protein (p.Met62Val). This variant is present in population databases (rs780676909, gnomAD 0.01%). This variant has not been reported in the literature in individuals affected with MMADHC-related conditions. Algorithms developed to predict the effect of missense changes on protein structure and function are either unavailable or do not agree on the potential impact of this missense change (SIFT: "Deleterious"; PolyPhen-2: "Benign"; Align-GVGD: "Class C0"). In summary, the available evidence is currently insufficient to determine the role of this variant in disease. Therefore, it has been classified as a Variant of Uncertain Significance.

NM_015702.3(MMADHC):c.184A>G (p.Met62Val)

Gene: MMADHC (metabolism of cobalamin associated D; minus strand). Cytogenetic location: 2q23.2.
Variant type: single nucleotide variant.
Coding change: c.184A>G on transcript NM_015702.3 (MANE Select); coding-DNA position 184, A replaced by G.
Protein change: p.Met62Val; replaces methionine 62 with valine.
Molecular consequence: missense variant.
Genome position (GRCh38, 1-based): chr2:149,579,619, T>C on the plus strand (A>G on the coding strand, the complement: MMADHC is on the minus strand). VCF-style: chr2-149579619-T-C. GRCh37 (hg19) VCF-style: chr2-150436133-T-C.
Other names: short protein forms M62V.
Identifiers: ClinVar variation 2076522 (VCV002076522.1), dbSNP rs780676909, ClinGen allele CA1902467.
Genomic context (GRCh38, chr2:149,579,619, plus strand): 5'-AATCAAAACCTATGTTCCCAGGAAGCTGGAACCTCTGATCTTGAGGTCCAAAGGGTCCCA[T>C]AGTTTCATCAGGCCACACTGTTCGAGAGCCTGAAGAGAAACAACAAAAGGAACAGTTTCT-3'
Protein context (NP_056517.1, residues 52-72): CSRTVWPDET[Met62Val]GPFGPQDQRF